The following is an entry in ClinVar:

NM_001370497.1(ABCC11):c.4083A>G (p.Val1361=)

Gene: ABCC11 (ATP binding cassette subfamily C member 11; minus strand). Cytogenetic location: 16q12.1.
Variant type: single nucleotide variant.
Coding change: c.4083A>G on transcript NM_001370497.1 (MANE Select); coding-DNA position 4083, A replaced by G.
Protein change: p.Val1361=; no amino-acid change (valine 1361 retained).
Molecular consequence: synonymous variant.
Genome position (GRCh38, 1-based): chr16:48,167,340, T>C on the plus strand (A>G on the coding strand, the complement: ABCC11 is on the minus strand). VCF-style: chr16-48167340-T-C. GRCh37 (hg19) VCF-style: chr16-48201251-T-C.
Other names: c.4089A>G, p.Val1363= (NM_001370496.1); c.4083A>G, p.Val1361= (NM_032583.4, NM_033151.4); c.3969A>G, p.Val1323= (NM_145186.3).
Identifiers: ClinVar variation 3389707 (VCV003389707.14).

ClinVar aggregate classification (germline): Likely benign (1 of 4 stars; one submission).

Submission:

CeGaT Center for Human Genetics Tuebingen
Classification: Likely benign. Last evaluated: 2024-09-01. Review status: criteria provided, single submitter. Criteria: CeGaT Center For Human Genetics Tuebingen Variant Classification Criteria Version 2. Collection method: clinical testing. Allele origin: germline. Affected: yes. Observed: 1 variant allele.
Comment: ABCC11: PM2:Supporting, BP4, BP7